The following is an entry in ClinVar:

NM_002335.4(LRP5):c.4651G>A (p.Asp1551Asn)

Gene: LRP5 (LDL receptor related protein 5; plus strand). Cytogenetic location: 11q13.2.
Variant type: single nucleotide variant.
Coding change: c.4651G>A on transcript NM_002335.4 (MANE Select); coding-DNA position 4651, G replaced by A.
Protein change: p.Asp1551Asn; replaces aspartic acid 1551 with asparagine.
Molecular consequence: missense variant.
Genome position (GRCh38, 1-based): chr11:68,448,873, G>A. VCF-style: chr11-68448873-G-A. GRCh37 (hg19) VCF-style: chr11-68216341-G-A.
Other names: c.2908G>A, p.Asp970Asn (NM_001291902.2); short protein forms D1551N, D970N.
Identifiers: ClinVar variation 162393 (VCV000162393.5), dbSNP rs724159827, ClinGen allele CA210911.

ClinVar aggregate classification (germline): Uncertain significance. Review status: criteria provided, multiple submitters, no conflicts (2 of 4 stars). 5 submissions from 5 submitters: Uncertain significance (3). 2 of the submissions do not count toward it. Last evaluated 2025-10-16.

Conditions:
POLYCYSTIC LIVER DISEASE 4 WITH KIDNEY CYSTS.
Osteoporosis with pseudoglioma (OPPG). Also called: osteoporosis-pseudoglioma syndrome. Identifiers: Orphanet 2788, MedGen C0432252, MONDO:0009820, OMIM 259770.
Autosomal dominant osteopetrosis 1 (OPTA1). Also called: OSTEOPETROSIS, AUTOSOMAL DOMINANT, TYPE I. Identifiers: Orphanet 2783, MedGen C1843330, MONDO:0011877, OMIM 607634.
Bone mineral density quantitative trait locus 1 (BMND1). Identifiers: MedGen C1866079, OMIM 601884.
Polycystic liver disease 4 with or without kidney cysts. Identifiers: MedGen C4693479, MONDO:0044327, OMIM 617875.
Worth disease. Also called: OSTEOSCLEROSIS, AUTOSOMAL DOMINANT; Autosomal dominant osteosclerosis, Worth type; ENDOSTEAL HYPEROSTOSIS, AUTOSOMAL DOMINANT. Identifiers: Orphanet 2790, MedGen C0432273, MONDO:0007764, OMIM 144750.
Exudative vitreoretinopathy 4 (EVR4). Identifiers: Orphanet 891, MedGen C1866176, MONDO:0011151, OMIM 601813.
Polycystic liver disease 1 (PCLD1). Also called: Polycystic liver disease 1 with or without kidney cysts. Identifiers: Orphanet 2924, MedGen C0887850, MONDO:0008265, OMIM 174050.

Allele frequency attached by ClinVar (database versions not stated): gnomAD 0.00001 and 0.00002; gnomAD exomes 0.00001 and 0.00002; TOPMed 0.00002.
gnomAD v4.1: 29 of 1,612,602 alleles (0.0018%); highest among the groups gnomAD compares: South Asian, 0.0033%; no homozygotes.

Submissions (5):

Labcorp Genetics (formerly Invitae), Labcorp
Classification: Uncertain significance. Last evaluated: 2025-10-16. Review status: criteria provided, single submitter. Criteria: Invitae Variant Classification Sherloc (09022015). Collection method: clinical testing. Allele origin: germline.
Comment: This sequence change replaces aspartic acid, which is acidic and polar, with asparagine, which is neutral and polar, at codon 1551 of the LRP5 protein (p.Asp1551Asn). This variant is present in population databases (rs724159827, gnomAD 0.005%). This missense change has been observed in individual(s) with polycystic liver disease (PMID: 24706814). ClinVar contains an entry for this variant (Variation ID: 162393). Invitae Evidence Modeling of protein sequence and biophysical properties (such as structural, functional, and spatial information, amino acid conservation, physicochemical variation, residue mobility, and thermodynamic stability) indicates that this missense variant is not expected to disrupt LRP5 protein function with a negative predictive value of 95%. Experimental studies are conflicting or provide insufficient evidence to determine the effect of this variant on LRP5 function (PMID: 24706814). In summary, the available evidence is currently insufficient to determine the role of this variant in disease. Therefore, it has been classified as a Variant of Uncertain Significance.

Fulgent Genetics
Classification: Uncertain significance for Worth disease; Osteoporosis with pseudoglioma; Exudative vitreoretinopathy 4; Bone mineral density quantitative trait locus 1; Autosomal dominant osteopetrosis 1; Polycystic liver disease 4 with or without kidney cysts. Last evaluated: 2024-04-29. Review status: criteria provided, single submitter. Criteria: ACMG Guidelines, 2015. Collection method: clinical testing. Allele origin: germline.

Blueprint Genetics
Classification: Uncertain significance. Last evaluated: 2023-07-13. Review status: criteria provided, single submitter. Criteria: ACMG Guidelines, 2015. Collection method: clinical testing. Allele origin: germline.

OMIM
Classification: Pathogenic for POLYCYSTIC LIVER DISEASE 4 WITH KIDNEY CYSTS. Last evaluated: 2014-04-08. Review status: no assertion criteria provided. Collection method: literature only. Allele origin: germline. Not counted in ClinVar's aggregate classification.

Laboratory of Gastroenterology and Hepatology, Radboud University Medical Center
No classification provided. Condition: Congenital cystic disease of liver. Review status: no classification provided. Collection method: not provided. Allele origin: germline. Not counted in ClinVar's aggregate classification.

Literature cited by the submitters: PubMed 24706814 (cited by Labcorp Genetics (formerly Invitae), Labcorp and OMIM).